The following is an entry in ClinVar:

NM_001369.3(DNAH5):c.12516_12517insTCTCTTATACACAT (p.Leu4173fs)

Gene: DNAH5 (dynein axonemal heavy chain 5; minus strand). Cytogenetic location: 5p15.2.
Variant type: Insertion.
Coding change: c.12516_12517insTCTCTTATACACAT on transcript NM_001369.3 (MANE Select); coding-DNA positions 12516 to 12517, TCTCTTATACACAT inserted.
Protein change: p.Leu4173fs; shifts the reading frame from leucine 4173.
Molecular consequence: frameshift variant.
Genome position: GRCh38 VCF-style: chr5-13717503-G-GATGTGTATAAGAGA. GRCh37 (hg19) VCF-style: chr5-13717612-G-GATGTGTATAAGAGA.
Other names: short protein forms L4173fs.
Identifiers: ClinVar variation 5010414 (VCV005010414.1).

ClinVar aggregate classification (germline): Pathogenic (1 of 4 stars; one submission).

Conditions:
Primary ciliary dyskinesia 3. Identifiers: Orphanet 244, MedGen C1837618, MONDO:0012085, OMIM 608644.

Submission:

Myriad Genetics, Inc.
Classification: Pathogenic for Primary ciliary dyskinesia 3. Last evaluated: 2024-05-14. Review status: criteria provided, single submitter. Criteria: Myriad Autosomal Dominant, Autosomal Recessive and X-Linked Classification Criteria (2023). Collection method: clinical testing. Allele origin: unknown.
Comment: NM_001369.2(DNAH5):c.12516_12517ins14(L4173Sfs*8) is expected to be pathogenic in the context of primary ciliary dyskinesia, DNAH5-related. This variant is predicted to lead to an abnormal or absent protein product due to the creation of a premature termination codon in DNAH5, a gene where loss-of-function variants are known to be pathogenic. Please note: this variant was assessed in the context of healthy population screening.